The following is an entry in ClinVar:

NM_004655.4(AXIN2):c.2126A>G (p.Lys709Arg)

Gene: AXIN2 (axin 2; minus strand). Cytogenetic location: 17q24.1.
Variant type: single nucleotide variant.
Coding change: c.2126A>G on transcript NM_004655.4 (MANE Select); coding-DNA position 2126, A replaced by G.
Protein change: p.Lys709Arg; replaces lysine 709 with arginine.
Molecular consequence: missense variant.
Genome position (GRCh38, 1-based): chr17:65,536,335, T>C on the plus strand (A>G on the coding strand, the complement: AXIN2 is on the minus strand). VCF-style: chr17-65536335-T-C. GRCh37 (hg19) VCF-style: chr17-63532453-T-C.
Other names: c.1931A>G, p.Lys644Arg (NM_001363813.1); short protein forms K709R, K644R.
Identifiers: ClinVar variation 4743033 (VCV004743033.1).

ClinVar aggregate classification (germline): Uncertain significance (1 of 4 stars; one submission).

Conditions:
Oligodontia-cancer predisposition syndrome. Also called: TOOTH AGENESIS-COLORECTAL CANCER SYNDROME. Identifiers: Orphanet 300576, MedGen C1837750, MONDO:0012075, OMIM 608615. Disease mechanism: loss of function.

gnomAD v4.1: 1 of 1,611,898 alleles (0.000062%); highest among the groups gnomAD compares: Non-Finnish European, 0.000085%; no homozygotes.

Submission:

Labcorp Genetics (formerly Invitae), Labcorp
Classification: Uncertain significance for Oligodontia-cancer predisposition syndrome. Last evaluated: 2025-11-20. Review status: criteria provided, single submitter. Criteria: Invitae Variant Classification Sherloc (09022015). Collection method: clinical testing. Allele origin: germline.
Comment: This sequence change replaces lysine, which is basic and polar, with arginine, which is basic and polar, at codon 709 of the AXIN2 protein (p.Lys709Arg). This variant is not present in population databases (gnomAD no frequency). This variant has not been reported in the literature in individuals affected with AXIN2-related conditions. Invitae Evidence Modeling of protein sequence and biophysical properties (such as structural, functional, and spatial information, amino acid conservation, physicochemical variation, residue mobility, and thermodynamic stability) indicates that this missense variant is not expected to disrupt AXIN2 protein function with a negative predictive value of 80%. In summary, the available evidence is currently insufficient to determine the role of this variant in disease. Therefore, it has been classified as a Variant of Uncertain Significance.